The following is an entry in ClinVar:

ClinVar aggregate classification (germline): Likely pathogenic (1 of 4 stars; one submission).

Conditions:
Arrhythmogenic cardiomyopathy with wooly hair and keratoderma. Also called: PALMOPLANTAR KERATODERMA WITH LEFT VENTRICULAR CARDIOMYOPATHY AND WOOLLY HAIR; Carvajal syndrome; Dilated cardiomyopathy with woolly hair and keratoderma; Arrhythmogenic cardiomyopathy with woolly hair and keratoderma. Identifiers: Orphanet 65282, MedGen C1854063, MONDO:0011581, OMIM 605676.

Submission:

All of Us Research Program, National Institutes of Health
Classification: Likely pathogenic for Arrhythmogenic cardiomyopathy with wooly hair and keratoderma. Last evaluated: 2023-07-19. Review status: criteria provided, single submitter. Criteria: ACMG Guidelines, 2015. Collection method: clinical testing. Allele origin: germline. Inheritance: Autosomal dominant inheritance. Observed: 1 variant allele, 1 heterozygote.
Comment: This variant changes 1 nucleotide in exon 24 of the DSP gene, creating a frameshift and premature translation stop signal in the last exon. This variant is predicted to escape nonsense-mediated decay and be expressed as a truncated protein. Although functional studies have not been reported, this variant is expected to disrupt the plakin repeat domain B and C. Plakin repeat domains and downstream C-terminal sequence have been reported to be essential for interaction with intermediate filaments (PMID: 12101406, 12802069, 21756917). In addition, truncating variants occurring downstream of this variant are known to be disease-causing (ClinVar variation ID: 246676, 263803, 518482). To our knowledge, this variant has not been reported in individuals affected with DSP-related disorders in the literature. This variant has not been identified in the general population by the Genome Aggregation Database (gnomAD). Loss of DSP function is a known mechanism of disease. Based on the available evidence, this variant is classified as Likely Pathogenic.

This study involves interpretation of variants in research participants for the purpose of population health screening. Participant phenotype was not available at the time of variant classification. Additional details can be found in publication PMID: 35346344, PMCID: PMC8962531

Literature cited by the submitters: PubMed 12101406; PubMed 12802069; PubMed 21756917.

NM_004415.4(DSP):c.6808C>T (p.Gln2270Ter)

Gene: DSP (desmoplakin; plus strand). Cytogenetic location: 6p24.3.
Variant type: single nucleotide variant.
Coding change: c.6808C>T on transcript NM_004415.4 (MANE Select); coding-DNA position 6808, C replaced by T.
Protein change: p.Gln2270Ter; replaces glutamine 2270 with a stop codon.
Molecular consequence: nonsense.
Genome position (GRCh38, 1-based): chr6:7,584,070, C>T. VCF-style: chr6-7584070-C-T. GRCh37 (hg19) VCF-style: chr6-7584303-C-T.
Other names: c.5011C>T, p.Gln1671Ter (NM_001008844.3); c.5479C>T, p.Gln1827Ter (NM_001319034.2); short protein forms Q1671*, Q1827*, Q2270*.
Identifiers: ClinVar variation 3072445 (VCV003072445.1), dbSNP rs2533942793, ClinGen allele CA362691599.